The following is an entry in ClinVar:

ClinVar aggregate classification (germline): Uncertain significance (1 of 4 stars; one submission).

Conditions:
Werner syndrome (WRN). Identifiers: Orphanet 902, MedGen C0043119, MONDO:0010196, OMIM 277700.

Submission:

Labcorp Genetics (formerly Invitae), Labcorp
Classification: Uncertain significance for Werner syndrome. Last evaluated: 2023-11-05. Review status: criteria provided, single submitter. Criteria: Invitae Variant Classification Sherloc (09022015). Collection method: clinical testing. Allele origin: germline.
Comment: This sequence change replaces asparagine, which is neutral and polar, with serine, which is neutral and polar, at codon 649 of the WRN protein (p.Asn649Ser). This variant is not present in population databases (gnomAD no frequency). This variant has not been reported in the literature in individuals affected with WRN-related conditions. An algorithm developed to predict the effect of missense changes on protein structure and function (PolyPhen-2) suggests that this variant is likely to be tolerated. In summary, the available evidence is currently insufficient to determine the role of this variant in disease. Therefore, it has been classified as a Variant of Uncertain Significance.

NM_000553.6(WRN):c.1946A>G (p.Asn649Ser)

Gene: WRN (WRN RecQ like helicase; plus strand). Cytogenetic location: 8p12.
Variant type: single nucleotide variant.
Coding change: c.1946A>G on transcript NM_000553.6 (MANE Select); coding-DNA position 1946, A replaced by G.
Protein change: p.Asn649Ser; replaces asparagine 649 with serine.
Molecular consequence: missense variant.
Genome position (GRCh38, 1-based): chr8:31,096,815, A>G. VCF-style: chr8-31096815-A-G. GRCh37 (hg19) VCF-style: chr8-30954331-A-G.
Other names: short protein forms N649S.
Identifiers: ClinVar variation 2693383 (VCV002693383.3), dbSNP rs2535943860, ClinGen allele CA370929799.